The following is an entry in ClinVar:

NM_001831.4(CLU):c.1218C>T (p.Val406=)

Gene: CLU (clusterin; minus strand). Cytogenetic location: 8p21.1.
Variant type: single nucleotide variant.
Coding change: c.1218C>T on transcript NM_001831.4 (MANE Select); coding-DNA position 1218, C replaced by T.
Protein change: p.Val406=; no amino-acid change (valine 406 retained).
Molecular consequence: synonymous variant. On other transcripts: non-coding transcript variant (2).
Genome position (GRCh38, 1-based): chr8:27,598,582, G>A on the plus strand (C>T on the coding strand, the complement: CLU is on the minus strand). VCF-style: chr8-27598582-G-A. GRCh37 (hg19) VCF-style: chr8-27456099-G-A.
Other names: c.1251C>T, p.Val417= (NM_001171138.1); c.1218C>T, p.Val406= (NM_203339.3).
Identifiers: ClinVar variation 3043325 (VCV003043325.2), dbSNP rs755605617, ClinGen allele CA4690742.
Genomic context (GRCh38, chr8:27,598,582, plus strand): 5'-CTTCCTGGAGACTTCTACAGGGACCGTCACAGTGATGGGATCAGAGTCAAAGAGCTTCAC[G>A]ACCACCTCAGTGACACCGGAAGGAACGTCCGAGTCAGAAGTGTGGGAAGCCACCTAAATG-3'
Protein context (NP_001822.3, residues 396-416): SDVPSGVTEV[Val406=]VKLFDSDPIT

ClinVar aggregate classification (germline): Likely benign (0 of 4 stars; one submission).

Conditions:
CLU-related disorder. Also called: CLU-related condition.

Allele frequency attached by ClinVar (database versions not stated): ExAC 0.00001; gnomAD 0.00003; TOPMed 0.00004.
gnomAD v4.1: 36 of 1,614,022 alleles (0.0022%); highest among the groups gnomAD compares: African/African-American, 0.008%; no homozygotes.

Submission:

PreventionGenetics, part of Exact Sciences
Classification: Likely benign for CLU-related condition. Last evaluated: 2019-06-21. Review status: no assertion criteria provided. Collection method: clinical testing. Allele origin: germline.
Comment: This variant is classified as likely benign based on ACMG/AMP sequence variant interpretation guidelines (Richards et al. 2015 PMID: 25741868, with internal and published modifications).